The following is an entry in ClinVar:

NM_022552.5(DNMT3A):c.71A>C (p.Lys24Thr)

Gene: DNMT3A (DNA methyltransferase 3 alpha; minus strand). Cytogenetic location: 2p23.3.
Variant type: single nucleotide variant.
Coding change: c.71A>C on transcript NM_022552.5 (MANE Select); coding-DNA position 71, A replaced by C.
Protein change: p.Lys24Thr; replaces lysine 24 with threonine.
Molecular consequence: missense variant. On other transcripts: non-coding transcript variant (1).
Genome position (GRCh38, 1-based): chr2:25,313,914, T>G on the plus strand (A>C on the coding strand, the complement: DNMT3A is on the minus strand). VCF-style: chr2-25313914-T-G. GRCh37 (hg19) VCF-style: chr2-25536783-T-G.
Other names: c.71A>C, p.Lys24Thr (NM_001320892.2, NM_175629.2, NM_175630.1); short protein forms K24T.
Identifiers: ClinVar variation 2631501 (VCV002631501.1), dbSNP rs2466004588, ClinGen allele CA346254278.

ClinVar aggregate classification (germline): Uncertain significance (1 of 4 stars; one submission).

Conditions:
DNMT3A-related disorder. Also called: DNMT3A-related disorders; DNMT3A-related condition.

Submission:

PreventionGenetics, part of Exact Sciences
Classification: Uncertain significance for DNMT3A-related condition. Last evaluated: 2023-07-03. Review status: criteria provided, single submitter. Criteria: ACMG Guidelines, 2015. Collection method: clinical testing. Allele origin: germline.
Comment: The DNMT3A c.71A>C variant is predicted to result in the amino acid substitution p.Lys24Thr. To our knowledge, this variant has not been reported in the literature or in a large population database, indicating this variant is rare. At this time, the clinical significance of this variant is uncertain due to the absence of conclusive functional and genetic evidence.